The following is an entry in ClinVar:

NM_003482.4(KMT2D):c.3875G>A (p.Arg1292His)

Genes: KMT2D (lysine methyltransferase 2D; minus strand), LOC126861520 (CDK7 strongly-dependent group 2 enhancer GRCh37_chr12:49442744-49443943; plus strand). Cytogenetic location: 12q13.12.
Variant type: single nucleotide variant.
Coding change: c.3875G>A on transcript NM_003482.4 (MANE Select); coding-DNA position 3875, G replaced by A.
Protein change: p.Arg1292His; replaces arginine 1292 with histidine.
Molecular consequence: missense variant.
Genome position (GRCh38, 1-based): chr12:49,049,713, C>T on the plus strand (G>A on the coding strand, the complement: KMT2D is on the minus strand). VCF-style: chr12-49049713-C-T. GRCh37 (hg19) VCF-style: chr12-49443496-C-T.
Other names: short protein forms R1292H.
Identifiers: ClinVar variation 2642960 (VCV002642960.27), dbSNP rs752389284, ClinGen allele CA6547969.

ClinVar aggregate classification (germline): Conflicting classifications of pathogenicity. Review status: criteria provided, conflicting classifications (1 of 4 stars). 4 submissions from 4 submitters: Uncertain significance (1); Benign (1); Likely benign (2). Last evaluated 2026-02-05.

Conditions:
Kabuki syndrome. Also called: NIIKAWA-KUROKI SYNDROME; Kabuki make-up syndrome. Identifiers: Orphanet 2322, MedGen C0796004, MONDO:0016512.
KMT2D-related disorder. Also called: KMT2D-Related Disorders.
Inborn genetic diseases. Identifiers: MedGen C0950123, MeSH D030342.

Allele frequency attached by ClinVar (database versions not stated): ExAC 0.00001.

Submissions (4):

PreventionGenetics, part of Exact Sciences
Classification: Likely benign for KMT2D-related condition. Last evaluated: 2026-02-05. Review status: criteria provided, single submitter. Criteria: ACMG Guidelines, 2015. Collection method: clinical testing. Allele origin: germline.
Comment: This variant is classified as likely benign based on ACMG/AMP sequence variant interpretation guidelines (Richards et al. 2015 PMID: 25741868, with internal and published modifications).

Ambry Genetics
Classification: Likely benign for Inborn genetic diseases. Last evaluated: 2025-10-07. Review status: criteria provided, single submitter. Criteria: Ambry Variant Classification Scheme 2023. Collection method: clinical testing. Allele origin: germline.

Labcorp Genetics (formerly Invitae), Labcorp
Classification: Benign for Kabuki syndrome. Last evaluated: 2024-07-24. Review status: criteria provided, single submitter. Criteria: Invitae Variant Classification Sherloc (09022015). Collection method: clinical testing. Allele origin: germline.

CeGaT Center for Human Genetics Tuebingen
Classification: Uncertain significance. Last evaluated: 2023-10-01. Review status: criteria provided, single submitter. Criteria: CeGaT Center For Human Genetics Tuebingen Variant Classification Criteria Version 2. Collection method: clinical testing. Allele origin: germline. Affected: yes. Observed: 1 variant allele.
Comment: KMT2D: PM2